The following is an entry in ClinVar:

ClinVar aggregate classification (germline): Uncertain significance (1 of 4 stars; one submission).

Conditions:
PCSK1-related disorder. Also called: PCSK1-related condition.

gnomAD v4.1: 1 of 1,614,198 alleles (0.000062%); highest among the groups gnomAD compares: Middle Eastern, 0.016%; no homozygotes.

Submission:

PreventionGenetics, part of Exact Sciences
Classification: Uncertain significance for PCSK1-related condition. Last evaluated: 2026-03-11. Review status: criteria provided, single submitter. Criteria: ACMG Guidelines, 2015. Collection method: clinical testing. Allele origin: germline.
Comment: The PCSK1 c.2250T>A variant is predicted to result in the amino acid substitution p.Asn750Lys. This variant was observed in a cohort of individuals with obesity, and in vitro functional studies showed function similar to wild-type levels (Supplemental Data Set, Shah et al. 2023. PubMed ID: 36864747). This variant has not been reported in a large population database (gnomAD), indicating this variant is rare. At this time, the clinical significance of this variant is uncertain due to the absence of conclusive functional and genetic evidence.

NM_000439.5(PCSK1):c.2250T>A (p.Asn750Lys)

Genes: CAST (calpastatin; plus strand), PCSK1 (proprotein convertase subtilisin/kexin type 1; minus strand), LOC101929710 (uncharacterized LOC101929710; plus strand). Cytogenetic location: 5q15.
Variant type: single nucleotide variant.
Coding change: c.2250T>A on transcript NM_000439.5 (MANE Select); coding-DNA position 2250, T replaced by A.
Protein change: p.Asn750Lys; replaces asparagine 750 with lysine.
Molecular consequence: missense variant. On other transcripts: intron variant (11).
Genome position (GRCh38, 1-based): chr5:96,393,013, A>T on the plus strand (T>A on the coding strand, the complement: PCSK1 is on the minus strand). VCF-style: chr5-96393013-A-T. GRCh37 (hg19) VCF-style: chr5-95728717-A-T.
Other names: c.2109T>A, p.Asn703Lys (NM_001177875.2); c.-175+13361A>T (NM_001423254.1, NM_001423259.1, NM_001423255.1 and 6 more transcripts); c.-103+13361A>T (NM_001423253.1); c.-40+13361A>T (NM_001423258.1); short protein forms N703K, N750K.
Identifiers: ClinVar variation 4990039 (VCV004990039.1).